The following is an entry in ClinVar:

NM_014425.5(INVS):c.1790G>A (p.Arg597Gln)

Gene: INVS (inversin; plus strand). Cytogenetic location: 9q31.1.
Variant type: single nucleotide variant.
Coding change: c.1790G>A on transcript NM_014425.5 (MANE Select); coding-DNA position 1790, G replaced by A.
Protein change: p.Arg597Gln; replaces arginine 597 with glutamine.
Molecular consequence: missense variant. On other transcripts: non-coding transcript variant (1).
Genome position (GRCh38, 1-based): chr9:100,284,325, G>A. VCF-style: chr9-100284325-G-A. GRCh37 (hg19) VCF-style: chr9-103046607-G-A.
Other names: c.1502G>A, p.Arg501Gln (NM_001318381.2); c.812G>A, p.Arg271Gln (NM_001318382.2); short protein forms R597Q, R271Q, R501Q.
Identifiers: ClinVar variation 498436 (VCV000498436.10), dbSNP rs1291135236, ClinGen allele CA374239612.

ClinVar aggregate classification (germline): Uncertain significance. Review status: criteria provided, multiple submitters, no conflicts (2 of 4 stars). 3 submissions from 3 submitters: Uncertain significance (3). Last evaluated 2024-12-02.

Conditions:
Nephronophthisis. Also called: Juvenile Nephronophthisis. Identifiers: Orphanet 655, MedGen C0687120, MONDO:0019005, HP:0000090.
Infantile nephronophthisis (NPHP2). Also called: Nephronophthisis 2, infantile; Nephronophthisis 2. Identifiers: Orphanet 655, Orphanet 93591, MedGen C1865872, MONDO:0011190, OMIM 602088.

Allele frequency attached by ClinVar (database versions not stated): TOPMed 0.00002.
gnomAD v4.1: 23 of 1,613,092 alleles (0.0014%); highest among the groups gnomAD compares: Middle Eastern, 0.016%; no homozygotes.

Submissions (3):

Labcorp Genetics (formerly Invitae), Labcorp
Classification: Uncertain significance for Nephronophthisis. Last evaluated: 2024-12-02. Review status: criteria provided, single submitter. Criteria: Invitae Variant Classification Sherloc (09022015). Collection method: clinical testing. Allele origin: germline.
Comment: This sequence change replaces arginine, which is basic and polar, with glutamine, which is neutral and polar, at codon 597 of the INVS protein (p.Arg597Gln). This variant is present in population databases (no rsID available, gnomAD 0.01%). This variant has not been reported in the literature in individuals affected with INVS-related conditions. ClinVar contains an entry for this variant (Variation ID: 498436). An algorithm developed to predict the effect of missense changes on protein structure and function (PolyPhen-2) suggests that this variant is likely to be disruptive. In summary, the available evidence is currently insufficient to determine the role of this variant in disease. Therefore, it has been classified as a Variant of Uncertain Significance.

Fulgent Genetics
Classification: Uncertain significance for Infantile nephronophthisis. Last evaluated: 2021-11-26. Review status: criteria provided, single submitter. Criteria: ACMG Guidelines, 2015. Collection method: clinical testing. Allele origin: unknown.

Eurofins Ntd Llc (ga)
Classification: Uncertain significance. Last evaluated: 2017-12-06. Review status: criteria provided, single submitter. Criteria: EGL Classification Definitions 2015. Collection method: clinical testing. Allele origin: germline. Observed: 2 variant alleles, 2 heterozygotes.